The following is an entry in ClinVar:

ClinVar aggregate classification (germline): Uncertain significance (1 of 4 stars; one submission).

Conditions:
NIK deficiency. Also called: Primary immunodeficiency with multifaceted aberrant lymphoid immunity. Identifiers: Orphanet 447731, MedGen C5680065, MONDO:0018642.

Allele frequency attached by ClinVar (database versions not stated): ExAC 0.00001; gnomAD exomes 0.00002; gnomAD 0.00003.
gnomAD v4.1: 31 of 1,613,382 alleles (0.0019%); highest among the groups gnomAD compares: Non-Finnish European, 0.0023%; no homozygotes.

Submission:

Labcorp Genetics (formerly Invitae), Labcorp
Classification: Uncertain significance for NIK deficiency. Last evaluated: 2022-08-02. Review status: criteria provided, single submitter. Criteria: Invitae Variant Classification Sherloc (09022015). Collection method: clinical testing. Allele origin: germline.
Comment: This sequence change replaces valine, which is neutral and non-polar, with isoleucine, which is neutral and non-polar, at codon 828 of the MAP3K14 protein (p.Val828Ile). The frequency data for this variant in the population databases is considered unreliable, as metrics indicate poor data quality at this position in the gnomAD database. This variant has not been reported in the literature in individuals affected with MAP3K14-related conditions. Experimental studies and prediction algorithms are not available or were not evaluated, and the functional significance of this variant is currently unknown. In summary, the available evidence is currently insufficient to determine the role of this variant in disease. Therefore, it has been classified as a Variant of Uncertain Significance.

NM_003954.5(MAP3K14):c.2482G>A (p.Val828Ile)

Genes: MAP3K14 (mitogen-activated protein kinase kinase kinase 14; minus strand), MAP3K14-AS1 (MAP3K14 antisense RNA 1; plus strand). Cytogenetic location: 17q21.31.
Variant type: single nucleotide variant.
Coding change: c.2482G>A on transcript NM_003954.5 (MANE Select); coding-DNA position 2482, G replaced by A.
Protein change: p.Val828Ile; replaces valine 828 with isoleucine.
Molecular consequence: missense variant.
Genome position (GRCh38, 1-based): chr17:45,266,633, C>T on the plus strand (G>A on the coding strand, the complement: MAP3K14 is on the minus strand). VCF-style: chr17-45266633-C-T. GRCh37 (hg19) VCF-style: chr17-43344000-C-T.
Other names: short protein forms V828I.
Identifiers: ClinVar variation 1982163 (VCV001982163.1), dbSNP rs763752267, ClinGen allele CA8613861.